The following is an entry in ClinVar:

NM_000748.3(CHRNB2):c.893G>T (p.Gly298Val)

Gene: CHRNB2 (cholinergic receptor nicotinic beta 2 subunit; plus strand). Cytogenetic location: 1q21.3.
Variant type: single nucleotide variant.
Coding change: c.893G>T on transcript NM_000748.3 (MANE Select); coding-DNA position 893, G replaced by T.
Protein change: p.Gly298Val; replaces glycine 298 with valine.
Molecular consequence: missense variant.
Genome position (GRCh38, 1-based): chr1:154,571,716, G>T. VCF-style: chr1-154571716-G-T. GRCh37 (hg19) VCF-style: chr1-154544192-G-T.
Other names: c.893G>T (NM_000748.2); short protein forms G298V.
Identifiers: ClinVar variation 1042753 (VCV001042753.9), dbSNP rs868235334, ClinGen allele CA342631051.

ClinVar aggregate classification (germline): Uncertain significance. Review status: criteria provided, multiple submitters, no conflicts (2 of 4 stars). 2 submissions from 2 submitters: Uncertain significance (2). Last evaluated 2024-01-28.

Conditions:
Familial sleep-related hypermotor epilepsy. Also called: Autosomal Dominant Sleep-Related Hypermotor (Hyperkinetic) Epilepsy. Identifiers: Orphanet 98784, MedGen C3696898, MONDO:0000030.

Allele frequency attached by ClinVar (database versions not stated): gnomAD exomes below 0.00001.
gnomAD v4.1: 1 of 1,614,202 alleles (0.000062%); no homozygotes.

Submissions (2):

GeneDx
Classification: Uncertain significance. Last evaluated: 2024-01-28. Review status: criteria provided, single submitter. Criteria: GeneDx Variant Classification Process June 2021. Collection method: clinical testing. Allele origin: germline. Affected: yes.
Comment: Not observed at significant frequency in large population cohorts (gnomAD); In silico analysis supports that this missense variant has a deleterious effect on protein structure/function; Has not been previously published as pathogenic or benign to our knowledge

Labcorp Genetics (formerly Invitae), Labcorp
Classification: Uncertain significance. Last evaluated: 2020-02-27. Review status: criteria provided, single submitter. Criteria: Invitae Variant Classification Sherloc (09022015). Collection method: clinical testing. Allele origin: germline.
Comment: In summary, the available evidence is currently insufficient to determine the role of this variant in disease. Therefore, it has been classified as a Variant of Uncertain Significance. This sequence change replaces glycine with valine at codon 298 of the CHRNB2 protein (p.Gly298Val). The glycine residue is highly conserved and there is a moderate physicochemical difference between glycine and valine. This variant is not present in population databases (ExAC no frequency). This variant has not been reported in the literature in individuals with CHRNB2-related conditions. Algorithms developed to predict the effect of missense changes on protein structure and function are either unavailable or do not agree on the potential impact of this missense change (SIFT: "Deleterious"; PolyPhen-2: "Probably Damaging"; Align-GVGD: "Class C15").